The following is an entry in ClinVar:

ClinVar aggregate classification (germline): Uncertain significance. Review status: criteria provided, multiple submitters, no conflicts (2 of 4 stars). 3 submissions from 3 submitters: Uncertain significance (3). Last evaluated 2025-04-16.

Conditions:
Hereditary cancer-predisposing syndrome. Also called: Neoplastic Syndromes, Hereditary; Tumor predisposition; Hereditary Cancer Syndrome; Hereditary neoplastic syndrome. Identifiers: Orphanet 140162, MedGen C0027672, MeSH D009386, MONDO:0015356.

Submissions (3):

GeneDx
Classification: Uncertain significance. Last evaluated: 2025-04-16. Review status: criteria provided, single submitter. Criteria: GeneDx Variant Classification Process June 2021. Collection method: clinical testing. Allele origin: germline. Affected: yes.
Comment: Not observed at significant frequency in large population cohorts (gnomAD); In silico analysis supports that this missense variant has a deleterious effect on protein structure/function; Has not been previously published as pathogenic or benign to our knowledge; This variant is associated with the following publications: (PMID: 19389631)

Ambry Genetics
Classification: Uncertain significance for Hereditary cancer-predisposing syndrome. Last evaluated: 2024-12-08. Review status: criteria provided, single submitter. Criteria: Ambry Variant Classification Scheme 2023. Collection method: clinical testing. Allele origin: germline.
Comment: The p.E187G variant (also known as c.560A>G), located in coding exon 1 of the HOXB13 gene, results from an A to G substitution at nucleotide position 560. The glutamic acid at codon 187 is replaced by glycine, an amino acid with similar properties. This amino acid position is highly conserved through mammals but not in all available vertebrate species. In addition, the in silico prediction for this alteration is inconclusive. Since supporting evidence is limited at this time, the clinical significance of this alteration remains unclear.

Labcorp Genetics (formerly Invitae), Labcorp
Classification: Uncertain significance. Last evaluated: 2023-11-05. Review status: criteria provided, single submitter. Criteria: Invitae Variant Classification Sherloc (09022015). Collection method: clinical testing. Allele origin: germline.
Comment: This sequence change replaces glutamic acid, which is acidic and polar, with glycine, which is neutral and non-polar, at codon 187 of the HOXB13 protein (p.Glu187Gly). This variant is not present in population databases (gnomAD no frequency). This variant has not been reported in the literature in individuals affected with HOXB13-related conditions. ClinVar contains an entry for this variant (Variation ID: 483516). Advanced modeling of protein sequence and biophysical properties (such as structural, functional, and spatial information, amino acid conservation, physicochemical variation, residue mobility, and thermodynamic stability) performed at Invitae indicates that this missense variant is not expected to disrupt HOXB13 protein function with a negative predictive value of 80%. In summary, the available evidence is currently insufficient to determine the role of this variant in disease. Therefore, it has been classified as a Variant of Uncertain Significance.

NM_006361.6(HOXB13):c.560A>G (p.Glu187Gly)

Gene: HOXB13 (homeobox B13; minus strand). Cytogenetic location: 17q21.32.
Variant type: single nucleotide variant.
Coding change: c.560A>G on transcript NM_006361.6 (MANE Select); coding-DNA position 560, A replaced by G.
Protein change: p.Glu187Gly; replaces glutamic acid 187 with glycine.
Molecular consequence: missense variant.
Genome position (GRCh38, 1-based): chr17:48,728,034, T>C on the plus strand (A>G on the coding strand, the complement: HOXB13 is on the minus strand). VCF-style: chr17-48728034-T-C. GRCh37 (hg19) VCF-style: chr17-46805396-T-C.
Other names: short protein forms E187G.
Identifiers: ClinVar variation 483516 (VCV000483516.16), dbSNP rs1555558563, ClinGen allele CA400107185.
Genomic context (GRCh38, chr17:48,728,034, plus strand): 5'-CCCAGGGTAATAGAGGTACCTGCAAATGCTGCCTTCCAAAAGGGACCTGGTGGGTTCTGT[T>C]CTCCCTGGCAACACATCTGGCTGTTCCAGCCACCAGCGAGAGCCCAAGACTGGTAACTGT-3'
Protein context (NP_006352.2, residues 177-197): GWNSQMCCQG[Glu187Gly]QNPPGPFWKA